The following is an entry in ClinVar:

NM_005359.6(SMAD4):c.803G>A (p.Trp268Ter)

Gene: SMAD4 (SMAD family member 4; plus strand). Cytogenetic location: 18q21.2.
Variant type: single nucleotide variant.
Coding change: c.803G>A on transcript NM_005359.6 (MANE Select); coding-DNA position 803, G replaced by A.
Protein change: p.Trp268Ter; replaces tryptophan 268 with a stop codon.
Molecular consequence: nonsense.
Genome position (GRCh38, 1-based): chr18:51,058,355, G>A. VCF-style: chr18-51058355-G-A. GRCh37 (hg19) VCF-style: chr18-48584725-G-A.
Other names: c.803G>A, p.Trp268Ter (NM_001407041.1, NM_001407042.1, NM_001407043.1); short protein forms W268*.
Identifiers: ClinVar variation 2026527 (VCV002026527.6), dbSNP rs2144428498, ClinGen allele CA402463310.
Genomic context (GRCh38, chr18:51,058,355, plus strand): 5'-AGCCTTTATAAAAGCAAATTAACCCATGTGGGCCTTAATTTTTAGACAGCACTACCACCT[G>A]GACTGGAAGTAGGACTGCACCATACACACCTAATTTGCCTCACCACCAAAACGGCCATCT-3'

ClinVar aggregate classification (germline): Pathogenic. Review status: criteria provided, multiple submitters, no conflicts (2 of 4 stars). 3 submissions from 3 submitters: Pathogenic (3). Last evaluated 2025-09-22.

Conditions:
Hereditary cancer-predisposing syndrome. Also called: Neoplastic Syndromes, Hereditary; Hereditary Cancer Syndrome; Tumor predisposition; Hereditary neoplastic syndrome. Identifiers: Orphanet 140162, MedGen C0027672, MeSH D009386, MONDO:0015356.
Familial thoracic aortic aneurysm and aortic dissection (TAAD). Also called: Thoracic aortic aneurysms and dissections. Identifiers: Orphanet 91387, MedGen C4707243, MONDO:0019625.
Juvenile polyposis syndrome (JPS). Identifiers: Orphanet 2929, MedGen C0345893, MONDO:0017380, OMIM 174900.

Submissions (3):

Color Diagnostics, LLC DBA Color Health
Classification: Pathogenic for Hereditary cancer-predisposing syndrome. Last evaluated: 2025-09-22. Review status: criteria provided, single submitter. Criteria: ACMG Guidelines, 2015. Collection method: clinical testing. Allele origin: germline.
Comment: This variant changes 1 nucleotide in exon 7 of the SMAD4 gene, creating a premature translation stop signal. This variant is expected to result in an absent or non-functional protein product. To our knowledge, this variant has not been reported in individuals affected with SMAD4-related disorders in the literature. This variant has not been identified in the general population by the Genome Aggregation Database (gnomAD). Loss of SMAD4 function is a known mechanism of disease. Based on the available evidence, this variant is classified as Pathogenic.

Ambry Genetics
Classification: Pathogenic for Hereditary cancer-predisposing syndrome; Familial thoracic aortic aneurysm and aortic dissection. Last evaluated: 2025-03-27. Review status: criteria provided, single submitter. Criteria: Ambry Variant Classification Scheme 2023. Collection method: clinical testing. Allele origin: germline.
Comment: The p.W268* pathogenic mutation (also known as c.803G>A), located in coding exon 6 of the SMAD4 gene, results from a G to A substitution at nucleotide position 803. This changes the amino acid from a tryptophan to a stop codon within coding exon 6. This variant is considered to be rare based on population cohorts in the Genome Aggregation Database (gnomAD). This alteration is expected to result in loss of function by premature protein truncation or nonsense-mediated mRNA decay. As such, this alteration is interpreted as a disease-causing mutation.

Labcorp Genetics (formerly Invitae), Labcorp
Classification: Pathogenic for Juvenile polyposis syndrome. Last evaluated: 2024-01-19. Review status: criteria provided, single submitter. Criteria: Invitae Variant Classification Sherloc (09022015). Collection method: clinical testing. Allele origin: germline.
Comment: This sequence change creates a premature translational stop signal (p.Trp268*) in the SMAD4 gene. It is expected to result in an absent or disrupted protein product. Loss-of-function variants in SMAD4 are known to be pathogenic (PMID: 16152648, 16436638, 22810475). This variant is not present in population databases (gnomAD no frequency). This variant has not been reported in the literature in individuals affected with SMAD4-related conditions. ClinVar contains an entry for this variant (Variation ID: 2026527). For these reasons, this variant has been classified as Pathogenic.

Literature cited by the submitters: PubMed 16152648 (cited by Labcorp Genetics (formerly Invitae), Labcorp); PubMed 16436638 (cited by Labcorp Genetics (formerly Invitae), Labcorp); PubMed 22810475 (cited by Labcorp Genetics (formerly Invitae), Labcorp).